The following is an entry in ClinVar:

ClinVar aggregate classification (germline): Benign. Review status: criteria provided, multiple submitters, no conflicts (2 of 4 stars). 3 submissions from 3 submitters: Benign (3). Last evaluated 2021-06-10.

Conditions:
Long chain 3-hydroxyacyl-CoA dehydrogenase deficiency. Also called: Deficiency of long-chain 3-hydroxyacyl-coenzyme A dehydrogenase; LCHAD Deficiency. Identifiers: Orphanet 5, MedGen C3711645, MONDO:0012173, OMIM 609016.

Allele frequency attached by ClinVar (database versions not stated): ESP Exome Variant Server 0.11938; 1000 Genomes Project 30x 0.14413; 1000 Genomes Project 0.14716; TOPMed 0.16469; gnomAD 0.17544 and 0.17693; gnomAD exomes 0.20426 and 0.21547; ExAC 0.21744.
gnomAD v4.1: 311,253 of 1,542,746 alleles (20%); highest among the groups gnomAD compares: Middle Eastern, 26%; 33,190 homozygotes.

Submissions (3):

Genome-Nilou Lab
Classification: Benign for Long chain 3-hydroxyacyl-CoA dehydrogenase deficiency. Last evaluated: 2021-06-10. Review status: criteria provided, single submitter. Criteria: ACMG Guidelines, 2015. Collection method: clinical testing. Allele origin: germline. Affected: no.

GeneDx
Classification: Benign. Last evaluated: 2018-06-18. Review status: criteria provided, single submitter. Criteria: GeneDx Variant Classification (06012015). Collection method: clinical testing. Allele origin: germline. Affected: yes.
Comment: This variant is considered likely benign or benign based on one or more of the following criteria: it is a conservative change, it occurs at a poorly conserved position in the protein, it is predicted to be benign by multiple in silico algorithms, and/or has population frequency not consistent with disease.

Breakthrough Genomics
Classification: Benign. Review status: criteria provided, single submitter. Criteria: ACMG Guidelines, 2015. Collection method: not provided. Allele origin: germline. Inheritance: Autosomal recessive inheritance. Affected: yes.

NM_000182.5(HADHA):c.67+51G>T

Genes: HADHA (hydroxyacyl-CoA dehydrogenase trifunctional multienzyme complex subunit alpha; minus strand), HADHB (hydroxyacyl-CoA dehydrogenase trifunctional multienzyme complex subunit beta; plus strand). Cytogenetic location: 2p23.3.
Variant type: single nucleotide variant.
Coding change: c.67+51G>T on transcript NM_000182.5 (MANE Select); 51 bases into the intron after coding-DNA position 67, G replaced by T.
Molecular consequence: intron variant.
Genome position (GRCh38, 1-based): chr2:26,244,479, C>A on the plus strand (G>T on the coding strand, the complement: HADHA is on the minus strand). VCF-style: chr2-26244479-C-A. GRCh37 (hg19) VCF-style: chr2-26467347-C-A.
Identifiers: ClinVar variation 676134 (VCV000676134.5), dbSNP rs62128457, ClinGen allele CA1559997.